The following is an entry in ClinVar:

NM_020975.6(RET):c.503C>A (p.Pro168Gln)

Gene: RET (ret proto-oncogene; plus strand). Cytogenetic location: 10q11.21.
Variant type: single nucleotide variant.
Coding change: c.503C>A on transcript NM_020975.6 (MANE Select); coding-DNA position 503, C replaced by A.
Protein change: p.Pro168Gln; replaces proline 168 with glutamine.
Molecular consequence: missense variant. On other transcripts: intron variant (15).
Genome position (GRCh38, 1-based): chr10:43,102,507, C>A. VCF-style: chr10-43102507-C-A. GRCh37 (hg19) VCF-style: chr10-43597955-C-A.
Other names: c.503C>A, p.Pro168Gln (NM_000323.2, NM_001406743.1, NM_001406744.1 and 16 more transcripts); c.374C>A, p.Pro125Gln (NM_001406761.1, NM_001406762.1, NM_001406764.1 and 4 more transcripts); c.337+1785C>A (NM_001406770.1, NM_001406766.1, NM_001406767.1 and 8 more transcripts); c.74-6524C>A (NM_001406784.1); c.74-9592C>A (NM_001406794.1, NM_001406792.1, NM_001406793.1); short protein forms P168Q, P125Q.
Identifiers: ClinVar variation 2587880 (VCV002587880.2), dbSNP rs2132682166, ClinGen allele CA376543286.
Genomic context (GRCh38, chr10:43,102,507, plus strand): 5'-CCTTCTTCAACACCTCCTTTCCAGCCTGCAGCTCCCTCAAGCCCCGGGAGCTCTGCTTCC[C>A]AGAGACAAGGCCCTCCTTCCGCATTCGGGAGAACCGACCCCCAGGCACCTTCCACCAGTT-3'
Protein context (NP_066124.1, residues 158-178): SSLKPRELCF[Pro168Gln]ETRPSFRIRE

ClinVar aggregate classification (germline): Uncertain significance (1 of 4 stars; one submission).

Conditions:
Hereditary cancer-predisposing syndrome. Also called: Tumor predisposition; Hereditary Cancer Syndrome; Hereditary neoplastic syndrome; Neoplastic Syndromes, Hereditary. Identifiers: Orphanet 140162, MedGen C0027672, MeSH D009386, MONDO:0015356.

Submission:

Ambry Genetics
Classification: Uncertain significance for Hereditary cancer-predisposing syndrome. Last evaluated: 2023-07-13. Review status: criteria provided, single submitter. Criteria: Ambry Variant Classification Scheme 2023. Collection method: clinical testing. Allele origin: germline.
Comment: The p.P168Q variant (also known as c.503C>A), located in coding exon 3 of the RET gene, results from a C to A substitution at nucleotide position 503. The proline at codon 168 is replaced by glutamine, an amino acid with similar properties. This amino acid position is conserved. In addition, this alteration is predicted to be tolerated by in silico analysis. Since supporting evidence is limited at this time, the clinical significance of this alteration remains unclear.